The following is an entry in ClinVar:

NM_153252.5(BRWD3):c.429G>C (p.Val143=)

Gene: BRWD3 (bromodomain and WD repeat domain containing 3; minus strand). Cytogenetic location: Xq21.1.
Variant type: single nucleotide variant.
Coding change: c.429G>C on transcript NM_153252.5 (MANE Select); coding-DNA position 429, G replaced by C.
Protein change: p.Val143=; no amino-acid change (valine 143 retained).
Molecular consequence: synonymous variant.
Genome position (GRCh38, 1-based): chrX:80,791,855, C>G on the plus strand (G>C on the coding strand, the complement: BRWD3 is on the minus strand). VCF-style: chrX-80791855-C-G. GRCh37 (hg19) VCF-style: chrX-80047354-C-G.
Identifiers: ClinVar variation 1958014 (VCV001958014.29), dbSNP rs764986923, ClinGen allele CA10462374.

ClinVar aggregate classification (germline): Benign/Likely benign. Review status: criteria provided, multiple submitters, no conflicts (2 of 4 stars). 2 submissions from 2 submitters: Benign (1); Likely benign (1). Last evaluated 2024-09-11.

Allele frequency attached by ClinVar (database versions not stated): gnomAD exomes 0.00001; TOPMed 0.00001; ExAC 0.00002.
gnomAD v4.1: 9 of 1,189,711 alleles (0.00076%); highest among the groups gnomAD compares: Non-Finnish European, 0.001%; no homozygotes.

Submissions (2):

Labcorp Genetics (formerly Invitae), Labcorp
Classification: Benign. Last evaluated: 2024-09-11. Review status: criteria provided, single submitter. Criteria: Invitae Variant Classification Sherloc (09022015). Collection method: clinical testing. Allele origin: germline.

CeGaT Center for Human Genetics Tuebingen
Classification: Likely benign. Last evaluated: 2022-07-01. Review status: criteria provided, single submitter. Criteria: CeGaT Center For Human Genetics Tuebingen Variant Classification Criteria Version 2. Collection method: clinical testing. Allele origin: germline. Affected: yes. Observed: 1 variant allele.
Comment: BRWD3: BP4